The following is an entry in ClinVar:

ClinVar aggregate classification (germline): Uncertain significance (1 of 4 stars; one submission).

Conditions:
Hereditary hemorrhagic telangiectasia (HHT). Also called: ORW DISEASE; Osler Weber Rendu syndrome; OSLER-RENDU-WEBER DISEASE; Osler hemorrhagic telangiectasia syndrome. Identifiers: Orphanet 774, MedGen C0039445, MONDO:0019180. Disease mechanism: loss of function.

Submission:

Labcorp Genetics (formerly Invitae), Labcorp
Classification: Uncertain significance for Hereditary hemorrhagic telangiectasia. Last evaluated: 2022-04-15. Review status: criteria provided, single submitter. Criteria: Invitae Variant Classification Sherloc (09022015). Collection method: clinical testing. Allele origin: germline.
Comment: In summary, the available evidence is currently insufficient to determine the role of this variant in disease. Therefore, it has been classified as a Variant of Uncertain Significance. Advanced modeling of protein sequence and biophysical properties (such as structural, functional, and spatial information, amino acid conservation, physicochemical variation, residue mobility, and thermodynamic stability) performed at Invitae indicates that this missense variant is not expected to disrupt ENG protein function. This variant has not been reported in the literature in individuals affected with ENG-related conditions. This variant is not present in population databases (gnomAD no frequency). This sequence change replaces alanine, which is neutral and non-polar, with glycine, which is neutral and non-polar, at codon 9 of the ENG protein (p.Ala9Gly).

NM_001114753.3(ENG):c.26C>G (p.Ala9Gly)

Gene: ENG (endoglin; minus strand). Cytogenetic location: 9q34.11.
Variant type: single nucleotide variant.
Coding change: c.26C>G on transcript NM_001114753.3 (MANE Select); coding-DNA position 26, C replaced by G.
Protein change: p.Ala9Gly; replaces alanine 9 with glycine.
Molecular consequence: missense variant.
Genome position (GRCh38, 1-based): chr9:127,854,330, G>C on the plus strand (C>G on the coding strand, the complement: ENG is on the minus strand). VCF-style: chr9-127854330-G-C. GRCh37 (hg19) VCF-style: chr9-130616609-G-C.
Other names: c.26C>G, p.Ala9Gly (NM_000118.4, NM_001406715.1); short protein forms A9G.
Identifiers: ClinVar variation 2126193 (VCV002126193.4), dbSNP rs2539126408, ClinGen allele CA374989631.